The following is an entry in ClinVar:

ClinVar aggregate classification (germline): Uncertain significance (1 of 4 stars; one submission).

Conditions:
Early Myoclonic Encephalopathy. Identifiers: MedGen C0270855.

Submission:

Labcorp Genetics (formerly Invitae), Labcorp
Classification: Uncertain significance for Early Myoclonic Encephalopathy. Last evaluated: 2022-09-01. Review status: criteria provided, single submitter. Criteria: Invitae Variant Classification Sherloc (09022015). Collection method: clinical testing. Allele origin: germline.
Comment: In summary, the available evidence is currently insufficient to determine the role of this variant in disease. Therefore, it has been classified as a Variant of Uncertain Significance. Algorithms developed to predict the effect of missense changes on protein structure and function output the following: SIFT: "Tolerated"; PolyPhen-2: "Benign"; Align-GVGD: "Class C0". The serine amino acid residue is found in multiple mammalian species, which suggests that this missense change does not adversely affect protein function. ClinVar contains an entry for this variant (Variation ID: 659730). This variant has not been reported in the literature in individuals affected with JMJD1C-related conditions. This variant is not present in population databases (gnomAD no frequency). This sequence change replaces proline, which is neutral and non-polar, with serine, which is neutral and polar, at codon 690 of the JMJD1C protein (p.Pro690Ser).

NM_032776.3(JMJD1C):c.2068C>T (p.Pro690Ser)

Gene: JMJD1C (jumonji domain containing 1C; minus strand). Cytogenetic location: 10q21.3.
Variant type: single nucleotide variant.
Coding change: c.2068C>T on transcript NM_032776.3 (MANE Select); coding-DNA position 2068, C replaced by T.
Protein change: p.Pro690Ser; replaces proline 690 with serine.
Molecular consequence: missense variant. On other transcripts: non-coding transcript variant (1).
Genome position (GRCh38, 1-based): chr10:63,214,099, G>A on the plus strand (C>T on the coding strand, the complement: JMJD1C is on the minus strand). VCF-style: chr10-63214099-G-A. GRCh37 (hg19) VCF-style: chr10-64973859-G-A.
Other names: c.1522C>T, p.Pro508Ser (NM_001282948.2, NM_001318154.2); c.1204C>T, p.Pro402Ser (NM_001318153.2); c.1954C>T, p.Pro652Ser (NM_001322252.2); c.1411C>T, p.Pro471Ser (NM_001322254.2, NM_001322258.2); short protein forms P508S, P652S, P402S, P471S, P690S.
Identifiers: ClinVar variation 659730 (VCV000659730.8), dbSNP rs1589166485, ClinGen allele CA377046762.